The following is an entry in ClinVar:

NM_000062.3(SERPING1):c.829C>G (p.Leu277Val)

Gene: SERPING1 (serpin family G member 1; plus strand). Cytogenetic location: 11q12.1.
Variant type: single nucleotide variant.
Coding change: c.829C>G on transcript NM_000062.3 (MANE Select); coding-DNA position 829, C replaced by G.
Protein change: p.Leu277Val; replaces leucine 277 with valine.
Molecular consequence: missense variant.
Genome position (GRCh38, 1-based): chr11:57,606,153, C>G. VCF-style: chr11-57606153-C-G. GRCh37 (hg19) VCF-style: chr11-57373626-C-G.
Other names: c.829C>G, p.Leu277Val (NM_001032295.2); short protein forms L277V.
Identifiers: ClinVar variation 3775596 (VCV003775596.1).

ClinVar aggregate classification (germline): Uncertain significance (1 of 4 stars; one submission).

Conditions:
Hereditary angioedema type 1 (HAE1). Identifiers: Orphanet 100050, Orphanet 100051, Orphanet 91378, MedGen C2717906, MONDO:0015053, OMIM 106100.

Submission:

3billion
Classification: Uncertain significance for Hereditary angioedema type 1. Last evaluated: 2023-06-19. Review status: criteria provided, single submitter. Criteria: ACMG Guidelines, 2015. Collection method: clinical testing. Allele origin: germline. Affected: yes.
Comment: The variant is not observed in the gnomAD v2.1.1 dataset. Predicted Consequence/Location: Missense variant In silico tool predictions suggest damaging effect of the variant on gene or gene product (REVEL: 0.41; 3Cnet: 0.66). Therefore, this variant is classified as VUS according to the recommendation of ACMG/AMP guideline.